The following is an entry in ClinVar:

NM_001376.5(DYNC1H1):c.8176A>C (p.Arg2726=)

Gene: DYNC1H1 (dynein cytoplasmic 1 heavy chain 1; plus strand). Cytogenetic location: 14q32.31.
Variant type: single nucleotide variant.
Coding change: c.8176A>C on transcript NM_001376.5 (MANE Select); coding-DNA position 8176, A replaced by C.
Protein change: p.Arg2726=; no amino-acid change (arginine 2726 retained).
Molecular consequence: synonymous variant.
Genome position (GRCh38, 1-based): chr14:102,017,503, A>C. VCF-style: chr14-102017503-A-C. GRCh37 (hg19) VCF-style: chr14-102483840-A-C.
Identifiers: ClinVar variation 1329755 (VCV001329755.8), dbSNP rs1285457241, ClinGen allele CA488185042.

ClinVar aggregate classification (germline): Conflicting classifications of pathogenicity. Review status: criteria provided, conflicting classifications (1 of 4 stars). 4 submissions from 4 submitters: Uncertain significance (3); Likely benign (1). Last evaluated 2025-11-11.

Conditions:
Inborn genetic diseases. Identifiers: MedGen C0950123, MeSH D030342.
Charcot-Marie-Tooth disease axonal type 2O. Also called: CHARCOT-MARIE-TOOTH NEUROPATHY, AXONAL, TYPE 2O; CHARCOT-MARIE-TOOTH DISEASE, AXONAL, AUTOSOMAL DOMINANT, TYPE 2O; Charcot-Marie-Tooth Neuropathy Type 2O; Charcot-Marie-Tooth disease, axonal, type 20. Identifiers: Orphanet 284232, MedGen C3280220, MONDO:0013644, OMIM 614228.

Allele frequency attached by ClinVar (database versions not stated): TOPMed 0.00001.
gnomAD v4.1: 1 of 1,614,128 alleles (0.000062%); highest among the groups gnomAD compares: East Asian, 0.0022%; no homozygotes.

Submissions (4):

Women's Health and Genetics/Laboratory Corporation of America, LabCorp
Classification: Uncertain significance. Last evaluated: 2025-11-11. Review status: criteria provided, single submitter. Criteria: LabCorp Variant Classification Summary - May 2015. Collection method: clinical testing. Allele origin: germline.
Comment: Variant summary: DYNC1H1 c.8176A>C (p.Arg2726Arg) alters a conserved nucleotide located close to a canonical splice site and therefore could affect mRNA splicing, leading to a significantly altered protein sequence. Several computational tools predict a significant impact on normal splicing: Three predict the variant weakens a 5' donor site and one predicts the variant has no significant impact on splicing. However, these predictions have yet to be confirmed by functional studies. The variant was absent in 251492 control chromosomes. The available data on variant occurrences in the general population are insufficient to allow any conclusion about variant significance. To our knowledge, no occurrence of c.8176A>C in individuals affected with DYNC1H1-related conditions and no experimental evidence demonstrating its impact on protein function have been reported. ClinVar contains an entry for this variant (Variation ID: 1329755). Based on the evidence outlined above, the variant was classified as uncertain significance.

Labcorp Genetics (formerly Invitae), Labcorp
Classification: Uncertain significance for Charcot-Marie-Tooth disease axonal type 2O. Last evaluated: 2025-01-13. Review status: criteria provided, single submitter. Criteria: Invitae Variant Classification Sherloc (09022015). Collection method: clinical testing. Allele origin: germline.
Comment: This sequence change affects codon 2726 of the DYNC1H1 mRNA. It is a 'silent' change, meaning that it does not change the encoded amino acid sequence of the DYNC1H1 protein. It affects a nucleotide within the consensus splice site. This variant is not present in population databases (gnomAD no frequency). This variant has not been reported in the literature in individuals affected with DYNC1H1-related conditions. ClinVar contains an entry for this variant (Variation ID: 1329755). Algorithms developed to predict the effect of sequence changes on RNA splicing suggest that this variant may disrupt the consensus splice site. In summary, the available evidence is currently insufficient to determine the role of this variant in disease. Therefore, it has been classified as a Variant of Uncertain Significance.

GeneDx
Classification: Uncertain significance. Last evaluated: 2021-06-22. Review status: criteria provided, single submitter. Criteria: GeneDx Variant Classification Process June 2021. Collection method: clinical testing. Allele origin: germline. Affected: yes.
Comment: Has not been previously published as pathogenic or benign to our knowledge; In-silico analysis, which includes splice predictors and evolutionary conservation, is inconclusive as to whether the variant alters gene splicing. In the absence of RNA/functional studies, the actual effect of this sequence change is unknown.; Not observed at significant frequency in large population cohorts (Lek et al., 2016); This variant is associated with the following publications: (PMID: 27535533)

Ambry Genetics
Classification: Likely benign for Inborn genetic diseases. Last evaluated: 2018-05-08. Review status: criteria provided, single submitter. Criteria: Ambry Variant Classification Scheme 2023. Collection method: clinical testing. Allele origin: germline.